The following is an entry in ClinVar:

NM_001164465.3(GOLGA6L10):c.750= (p.Leu250=)

Gene: GOLGA6L10 (golgin A6 family like 10; minus strand). Cytogenetic location: 15q25.2.
Variant type: Variation.
Coding change: c.750= on transcript NM_001164465.3 (MANE Select); coding-DNA position 750, no change from the reference sequence.
Protein change: p.Leu250=; no amino-acid change (leucine 250 retained).
Molecular consequence: no sequence alteration.
Genome position: GRCh38 VCF-style: chr15-82345110-C-C. GRCh37 (hg19) VCF-style: chr15-82637357-T-C.
Identifiers: ClinVar variation 4030805 (VCV004030805.3).

ClinVar aggregate classification (germline): Likely benign. Review status: criteria provided, multiple submitters, no conflicts (2 of 4 stars). 2 submissions from 2 submitters: Likely benign (2). Last evaluated 2026-07-01.

Submissions (2):

CeGaT Center for Human Genetics Tuebingen
Classification: Likely benign. Last evaluated: 2026-07-01. Review status: criteria provided, single submitter. Criteria: CeGaT Center For Human Genetics Tuebingen Variant Classification Criteria Version 2. Collection method: clinical testing. Allele origin: germline. Affected: yes. Observed: 1 variant allele.
Comment: GOLGA6L10: PM2:Supporting, BP4, BP7

Ambry Genetics
Classification: Likely benign. Last evaluated: 2025-05-15. Review status: criteria provided, single submitter. Criteria: Ambry Variant Classification Scheme 2023. Collection method: clinical testing. Allele origin: germline.